The following is an entry in ClinVar:

NM_138364.4(PRMT9):c.734_735del (p.Ile245fs)

Gene: PRMT9 (protein arginine methyltransferase 9; minus strand). Cytogenetic location: 4q31.23.
Variant type: Deletion.
Coding change: c.734_735del on transcript NM_138364.4 (MANE Select); coding-DNA positions 734 to 735, 2 bases deleted (TT; older notation c.734_735delTT).
Protein change: p.Ile245fs; shifts the reading frame from isoleucine 245.
Molecular consequence: frameshift variant. On other transcripts: 5 prime UTR variant (3).
Genome position (GRCh38, 1-based): chr4:147,672,967-147,672,968, AA deleted on the plus strand (TT on the coding strand, the reverse complement: PRMT9 is on the minus strand). VCF-style (leftmost placement, unchanged base first): chr4-147672966-GAA-G. GRCh37 (hg19) VCF-style: chr4-148594117-GAA-G.
Other names: c.395_396del, p.Ile132fs (NM_001304458.2, NM_001350142.2); c.-681_-680del (NM_001350141.2); c.-147_-146del (NM_001350143.2); c.-486_-485del (NM_001350144.2); short protein forms I132fs, I245fs.
Identifiers: ClinVar variation 4530584 (VCV004530584.1).

ClinVar aggregate classification (germline): Pathogenic (1 of 4 stars; one submission).

Conditions:
PRMT9-associated neurodevelopmental disorder.

Submission:

Institute of Human Genetics, University of Leipzig Medical Center
Classification: Pathogenic for PRMT9-associated neurodevelopmental disorder. Last evaluated: 2025-10-02. Review status: criteria provided, single submitter. Criteria: ACMG Guidelines, 2015. Collection method: clinical testing. Allele origin: paternal. Inheritance: Autosomal recessive inheritance. Affected: yes.
Comment: Criteria applied: PM2,PVS1